The following is an entry in ClinVar:

NM_001710.6(CFB):c.667A>G (p.Met223Val)

Gene: CFB (complement factor B; plus strand). Cytogenetic location: 6p21.33.
Variant type: single nucleotide variant.
Coding change: c.667A>G on transcript NM_001710.6 (MANE Select); coding-DNA position 667, A replaced by G.
Protein change: p.Met223Val; replaces methionine 223 with valine.
Molecular consequence: missense variant.
Genome position (GRCh38, 1-based): chr6:31,947,750, A>G. VCF-style: chr6-31947750-A-G. GRCh37 (hg19) VCF-style: chr6-31915527-A-G.
Other names: short protein forms M223V.
Identifiers: ClinVar variation 4753827 (VCV004753827.1).

ClinVar aggregate classification (germline): Uncertain significance (1 of 4 stars; one submission).

gnomAD v4.1: 34 of 1,612,904 alleles (0.0021%); highest among the groups gnomAD compares: Non-Finnish European, 0.0026%; no homozygotes.

Submission:

Labcorp Genetics (formerly Invitae), Labcorp
Classification: Uncertain significance. Last evaluated: 2025-05-28. Review status: criteria provided, single submitter. Criteria: Invitae Variant Classification Sherloc (09022015). Collection method: clinical testing. Allele origin: germline.
Comment: This sequence change replaces methionine, which is neutral and non-polar, with valine, which is neutral and non-polar, at codon 223 of the CFB protein (p.Met223Val). This variant is present in population databases (rs377549343, gnomAD 0.004%). This variant has not been reported in the literature in individuals affected with CFB-related conditions. Invitae Evidence Modeling of protein sequence and biophysical properties (such as structural, functional, and spatial information, amino acid conservation, physicochemical variation, residue mobility, and thermodynamic stability) indicates that this missense variant is not expected to disrupt CFB protein function with a negative predictive value of 80%. In summary, the available evidence is currently insufficient to determine the role of this variant in disease. Therefore, it has been classified as a Variant of Uncertain Significance.